The following is an entry in ClinVar:

ClinVar aggregate classification (germline): Likely pathogenic. Review status: criteria provided, multiple submitters, no conflicts (2 of 4 stars). 2 submissions from 2 submitters: Likely pathogenic (2). Last evaluated 2023-10-16.

Conditions:
Cardiovascular phenotype. Identifiers: MedGen CN230736.

Submissions (2):

Clinical Genetics Laboratory, Skane University Hospital Lund
Classification: Likely pathogenic. Last evaluated: 2023-10-16. Review status: criteria provided, single submitter. Criteria: ACMG Guidelines, 2015. Collection method: clinical testing. Allele origin: germline. Affected: yes.

Ambry Genetics
Classification: Likely pathogenic for Cardiovascular phenotype. Last evaluated: 2022-02-15. Review status: criteria provided, single submitter. Criteria: Ambry Variant Classification Scheme 2023. Collection method: clinical testing. Allele origin: germline.
Comment: The p.H280R variant (also known as c.839A>G), located in coding exon 6 of the ACVRL1 gene, results from an A to G substitution at nucleotide position 839. The histidine at codon 280 is replaced by arginine, an amino acid with highly similar properties. This alteration has been reported in individuals with hereditary hemorrhagic telangiectasia (HHT) (Richards-Yutz J et al. Hum Genet, 2010 Jul;128:61-77; Nishida T et al. Am J Med Genet A, 2012 Nov;158A:2829-34; Komiyama M et al. J Hum Genet, 2014 Jan;59:37-41; Ambry Internal Data). This variant is considered to be rare based on population cohorts in the Genome Aggregation Database (gnomAD). This amino acid position is highly conserved in available vertebrate species. In addition, this alteration is predicted to be deleterious by in silico analysis. Based on the majority of available evidence to date, this variant is likely to be pathogenic.

Literature cited by the submitters: PubMed 20414677 (cited by Ambry Genetics); PubMed 22991266 (cited by Ambry Genetics); PubMed 24196379 (cited by Ambry Genetics).

NM_000020.3(ACVRL1):c.839A>G (p.His280Arg)

Gene: ACVRL1 (activin A receptor like type 1; plus strand). Cytogenetic location: 12q13.13.
Variant type: single nucleotide variant.
Coding change: c.839A>G on transcript NM_000020.3 (MANE Select); coding-DNA position 839, A replaced by G.
Protein change: p.His280Arg; replaces histidine 280 with arginine.
Molecular consequence: missense variant.
Genome position (GRCh38, 1-based): chr12:51,915,291, A>G. VCF-style: chr12-51915291-A-G. GRCh37 (hg19) VCF-style: chr12-52309075-A-G.
Other names: c.839A>G, p.His280Arg (NM_001077401.2, NM_001406487.1, NM_001406488.1 and 1 more transcripts); c.527A>G, p.His176Arg (NM_001406490.1, NM_001406491.1, NM_001406492.1 and 2 more transcripts); c.275A>G, p.His92Arg (NM_001406495.1); short protein forms H280R, H176R, H92R.
Identifiers: ClinVar variation 1763210 (VCV001763210.3), dbSNP rs2540164236, ClinGen allele CA384900505.